The following is an entry in ClinVar:

NM_177438.3(DICER1):c.4261_4275dup (p.Glu1425_Ser1426insAspGluGluGluGlu)

Gene: DICER1 (dicer 1, ribonuclease III; minus strand). Cytogenetic location: 14q32.13.
Variant type: Duplication.
Coding change: c.4261_4275dup on transcript NM_177438.3 (MANE Select); coding-DNA positions 4261 to 4275, 15 bases duplicated (GATGAGGAGGAGGAG).
Protein change: p.Glu1425_Ser1426insAspGluGluGluGlu.
Molecular consequence: inframe insertion. On other transcripts: inframe indel (1), non-coding transcript variant (6).
Genome position (GRCh38, 1-based): chr14:95,096,645-95,096,659, CTCCTCCTCCTCATC duplicated on the plus strand (GATGAGGAGGAGGAG on the coding strand, the reverse complement: DICER1 is on the minus strand); duplicating any 15 consecutive bases within chr14:95,096,645-95,096,668 gives the same sequence; the c. name uses the placement nearest the transcript's 3' end. VCF-style (leftmost placement, unchanged base first): chr14-95096644-T-TCTCCTCCTCCTCATC. GRCh37 (hg19) VCF-style: chr14-95562981-T-TCTCCTCCTCCTCATC.
Other names: c.4261_4275dup, p.Glu1425_Ser1426insAspGluGluGluGlu (NM_001195573.1, NM_001271282.3, NM_001291628.2 and 12 more transcripts); c.4252_4266dup, p.Glu1425_Ser1426insAspGluGluGluGlu (NM_001395681.1); c.3979_3993dup, p.Glu1331_Ser1332insAspGluGluGluGlu (NM_001395686.1); c.3856_3870dup, p.Glu1290_Ser1291insAspGluGluGluGlu (NM_001395687.1, NM_001395688.1, NM_001395689.1 and 2 more transcripts); c.3694_3708dup, p.Glu1236_Ser1237insAspGluGluGluGlu (NM_001395691.1); c.2578_2592dup, p.Glu864_Ser865insAspGluGluGluGlu (NM_001395697.1); c.4261_4275dupGATGAGGAGGAGGAG (NM_177438.2).
Identifiers: ClinVar variation 1924533 (VCV001924533.6), dbSNP rs1566756815, ClinGen allele CA616115549.

ClinVar aggregate classification (germline): Uncertain significance. Review status: criteria provided, multiple submitters, no conflicts (2 of 4 stars). 2 submissions from 2 submitters: Uncertain significance (2). Last evaluated 2025-07-29.

Conditions:
Hereditary cancer-predisposing syndrome. Also called: Neoplastic Syndromes, Hereditary; Tumor predisposition; Hereditary neoplastic syndrome; Hereditary Cancer Syndrome. Identifiers: Orphanet 140162, MedGen C0027672, MeSH D009386, MONDO:0015356.
DICER1-related tumor predisposition. Also called: DICER1 syndrome; DICER1-related pleuropulmonary blastoma cancer predisposition syndrome. Identifiers: Orphanet 284343, MedGen C3839822, MONDO:0100216.

Submissions (2):

Ambry Genetics
Classification: Uncertain significance for Hereditary cancer-predisposing syndrome. Last evaluated: 2025-07-29. Review status: criteria provided, single submitter. Criteria: Ambry Variant Classification Scheme 2023. Collection method: clinical testing. Allele origin: germline.
Comment: The c.4261_4275dup15 variant (also known as p.D1421_E1425dup), located in coding exon 22 of the DICER1 gene, results from an in-frame duplication of 15 nucleotides at nucleotide positions 4261 to 4275. This results in the duplication of 5 extra residues (DEEEE) between codons 1421 and 1425. This amino acid region is not well conserved in available vertebrate species. In addition, the in silico prediction for this variant is inconclusive (Choi Y et al. PLoS ONE. 2012; 7(10):e46688). Based on the available evidence, the clinical significance of this variant remains unclear.

Labcorp Genetics (formerly Invitae), Labcorp
Classification: Uncertain significance for DICER1-related tumor predisposition. Last evaluated: 2022-01-17. Review status: criteria provided, single submitter. Criteria: Invitae Variant Classification Sherloc (09022015). Collection method: clinical testing. Allele origin: germline.
Comment: This variant, c.4261_4275dup, results in the insertion of 5 amino acid(s) of the DICER1 protein (p.Asp1421_Glu1425dup), but otherwise preserves the integrity of the reading frame. This variant is present in population databases (no rsID available, gnomAD 0.006%). This variant has not been reported in the literature in individuals affected with DICER1-related conditions. In summary, the available evidence is currently insufficient to determine the role of this variant in disease. Therefore, it has been classified as a Variant of Uncertain Significance.